The following is an entry in ClinVar:

NM_014714.4(IFT140):c.94G>A (p.Val32Ile)

Genes: IFT140 (intraflagellar transport 140; minus strand), LOC105371046 (uncharacterized LOC105371046; plus strand). Cytogenetic location: 16p13.3.
Variant type: single nucleotide variant.
Coding change: c.94G>A on transcript NM_014714.4 (MANE Select); coding-DNA position 94, G replaced by A.
Protein change: p.Val32Ile; replaces valine 32 with isoleucine.
Molecular consequence: missense variant.
Genome position (GRCh38, 1-based): chr16:1,607,173, C>T on the plus strand (G>A on the coding strand, the complement: IFT140 is on the minus strand). VCF-style: chr16-1607173-C-T. GRCh37 (hg19) VCF-style: chr16-1657174-C-T.
Other names: short protein forms V32I.
Identifiers: ClinVar variation 1373297 (VCV001373297.6), dbSNP rs770234866, ClinGen allele CA7814836.

ClinVar aggregate classification (germline): Uncertain significance (1 of 4 stars; one submission).

Conditions:
Saldino-Mainzer syndrome (SRTD9). Also called: CONORENAL SYNDROME; Renal dysplasia, retinal pigmentary dystrophy, cerebellar ataxia and skeletal dysplasia; SHORT-RIB THORACIC DYSPLASIA 9 WITHOUT POLYDACTYLY; short-rib thoracic dysplasia 9 with or without polydactyly. Identifiers: Orphanet 140969, MedGen C1849437, MONDO:0009964, OMIM 266920.

Allele frequency attached by ClinVar (database versions not stated): gnomAD exomes below 0.00001; ExAC 0.00001.

Submission:

Labcorp Genetics (formerly Invitae), Labcorp
Classification: Uncertain significance for Saldino-Mainzer syndrome. Last evaluated: 2021-12-24. Review status: criteria provided, single submitter. Criteria: Invitae Variant Classification Sherloc (09022015). Collection method: clinical testing. Allele origin: germline.
Comment: This sequence change replaces valine, which is neutral and non-polar, with isoleucine, which is neutral and non-polar, at codon 32 of the IFT140 protein (p.Val32Ile). This variant is present in population databases (rs770234866, gnomAD 0.003%). This variant has not been reported in the literature in individuals affected with IFT140-related conditions. Algorithms developed to predict the effect of missense changes on protein structure and function are either unavailable or do not agree on the potential impact of this missense change (SIFT: "Deleterious"; PolyPhen-2: "Possibly Damaging"; Align-GVGD: "Class C0"). In summary, the available evidence is currently insufficient to determine the role of this variant in disease. Therefore, it has been classified as a Variant of Uncertain Significance.